The following is an entry in ClinVar:

ClinVar aggregate classification (germline): Uncertain significance. Review status: criteria provided, multiple submitters, no conflicts (2 of 4 stars). 2 submissions from 2 submitters: Uncertain significance (2). Last evaluated 2025-08-22.

Conditions:
LEPR-related disorder. Also called: LEPR-related disorders; LEPR-related condition.

Submissions (2):

PreventionGenetics, part of Exact Sciences
Classification: Uncertain significance for LEPR-related condition. Last evaluated: 2025-08-22. Review status: criteria provided, single submitter. Criteria: ACMG Guidelines, 2015. Collection method: clinical testing. Allele origin: germline.
Comment: The LEPR c.2267T>C variant is predicted to result in the amino acid substitution p.Val756Ala. To our knowledge, this variant has not been reported in individuals with LEPR-related disorders. In vitro functional studies showed this variant did not reduce protein function and could cause increased function (Supplemental Data Set 3, Shah et al. 2023. PubMed ID: 36864747). This variant has not been reported in a large population database (gnomAD), indicating it is rare. At this time, the clinical significance of this variant is uncertain due to the absence of conclusive functional and genetic evidence.

Blueprint Genetics
Classification: Uncertain significance. Last evaluated: 2022-01-12. Review status: criteria provided, single submitter. Criteria: ACMG Guidelines, 2015. Collection method: clinical testing. Allele origin: germline.

NM_002303.6(LEPR):c.2267T>C (p.Val756Ala)

Gene: LEPR (leptin receptor; plus strand). Cytogenetic location: 1p31.3.
Variant type: single nucleotide variant.
Coding change: c.2267T>C on transcript NM_002303.6 (MANE Select); coding-DNA position 2267, T replaced by C.
Protein change: p.Val756Ala; replaces valine 756 with alanine.
Molecular consequence: missense variant.
Genome position (GRCh38, 1-based): chr1:65,618,018, T>C. VCF-style: chr1-65618018-T-C. GRCh37 (hg19) VCF-style: chr1-66083701-T-C.
Other names: c.2267T>C, p.Val756Ala (NM_001003679.3, NM_001003680.3, NM_001198687.2 and 2 more transcripts); short protein forms V756A.
Identifiers: ClinVar variation 4893652 (VCV004893652.2).